The following is an entry in ClinVar:

NM_199355.4(ADAMTS18):c.131C>G (p.Ala44Gly)

Gene: ADAMTS18 (ADAM metallopeptidase with thrombospondin type 1 motif 18; minus strand). Cytogenetic location: 16q23.1.
Variant type: single nucleotide variant.
Coding change: c.131C>G on transcript NM_199355.4 (MANE Select); coding-DNA position 131, C replaced by G.
Protein change: p.Ala44Gly; replaces alanine 44 with glycine.
Molecular consequence: missense variant. On other transcripts: 5 prime UTR variant (1).
Genome position (GRCh38, 1-based): chr16:77,434,465, G>C on the plus strand (C>G on the coding strand, the complement: ADAMTS18 is on the minus strand). VCF-style: chr16-77434465-G-C. GRCh37 (hg19) VCF-style: chr16-77468362-G-C.
Other names: c.-390C>G (NM_001326358.2); short protein forms A44G.
Identifiers: ClinVar variation 1418914 (VCV001418914.6), dbSNP rs766063430, ClinGen allele CA8181783.

ClinVar aggregate classification (germline): Uncertain significance (1 of 4 stars; one submission).

Allele frequency attached by ClinVar (database versions not stated): gnomAD 0.00001; gnomAD exomes 0.00001 and 0.00003; TOPMed 0.00003; ExAC 0.00004.
gnomAD v4.1: 35 of 1,571,586 alleles (0.0022%); highest among the groups gnomAD compares: Non-Finnish European, 0.0029%; no homozygotes.

Submission:

Labcorp Genetics (formerly Invitae), Labcorp
Classification: Uncertain significance. Last evaluated: 2022-10-13. Review status: criteria provided, single submitter. Criteria: Invitae Variant Classification Sherloc (09022015). Collection method: clinical testing. Allele origin: germline.
Comment: In summary, the available evidence is currently insufficient to determine the role of this variant in disease. Therefore, it has been classified as a Variant of Uncertain Significance. Algorithms developed to predict the effect of missense changes on protein structure and function are either unavailable or do not agree on the potential impact of this missense change (SIFT: "Not Available"; PolyPhen-2: "Benign"; Align-GVGD: "Not Available"). ClinVar contains an entry for this variant (Variation ID: 1418914). This variant has not been reported in the literature in individuals affected with ADAMTS18-related conditions. This variant is present in population databases (rs766063430, gnomAD 0.003%). This sequence change replaces alanine, which is neutral and non-polar, with glycine, which is neutral and non-polar, at codon 44 of the ADAMTS18 protein (p.Ala44Gly).